The following is an entry in ClinVar:

NM_018124.4(RFWD3):c.1970-3T>C

Gene: RFWD3 (ring finger and WD repeat domain 3; minus strand). Cytogenetic location: 16q23.1.
Variant type: single nucleotide variant.
Coding change: c.1970-3T>C on transcript NM_018124.4 (MANE Select); 3 bases into the intron before coding-DNA position 1970, T replaced by C.
Molecular consequence: intron variant.
Genome position (GRCh38, 1-based): chr16:74,626,557, A>G on the plus strand (T>C on the coding strand, the complement: RFWD3 is on the minus strand). VCF-style: chr16-74626557-A-G. GRCh37 (hg19) VCF-style: chr16-74660455-A-G.
Other names: c.1970-3T>C (NM_001370534.1, NM_001370535.1); c.1136-3T>C (NM_001370539.1, NM_001370537.1, NM_001370543.1 and 2 more transcripts); c.1793-3T>C (NM_001370536.1).
Identifiers: ClinVar variation 2872858 (VCV002872858.3), dbSNP rs1958941385, ClinGen allele CA2232890898.

ClinVar aggregate classification (germline): Uncertain significance (1 of 4 stars; one submission).

Allele frequency attached by ClinVar (database versions not stated): gnomAD exomes below 0.00001; TOPMed below 0.00001.
gnomAD v4.1: 1 of 1,613,132 alleles (0.000062%); highest among the groups gnomAD compares: East Asian, 0.0022%; no homozygotes.

Submission:

Labcorp Genetics (formerly Invitae), Labcorp
Classification: Uncertain significance. Last evaluated: 2023-11-19. Review status: criteria provided, single submitter. Criteria: Invitae Variant Classification Sherloc (09022015). Collection method: clinical testing. Allele origin: germline.
Comment: This sequence change falls in intron 11 of the RFWD3 gene. It does not directly change the encoded amino acid sequence of the RFWD3 protein. It affects a nucleotide within the consensus splice site. This variant is not present in population databases (gnomAD no frequency). This variant has not been reported in the literature in individuals affected with RFWD3-related conditions. Variants that disrupt the consensus splice site are a relatively common cause of aberrant splicing (PMID: 17576681, 9536098). Algorithms developed to predict the effect of sequence changes on RNA splicing suggest that this variant is not likely to affect RNA splicing. In summary, the available evidence is currently insufficient to determine the role of this variant in disease. Therefore, it has been classified as a Variant of Uncertain Significance.

Literature cited by the submitters: PubMed 17576681; PubMed 9536098.